The following is an entry in ClinVar:

ClinVar aggregate classification (germline): Pathogenic (1 of 4 stars; one submission).

Conditions:
Beckwith-Wiedemann syndrome (BWS). Also called: EMG SYNDROME; Exomphalos macroglossia gigantism syndrome. Identifiers: Orphanet 116, MedGen C0004903, MONDO:0007534, OMIM 130650.

Submission:

Labcorp Genetics (formerly Invitae), Labcorp
Classification: Pathogenic for Beckwith-Wiedemann syndrome. Last evaluated: 2023-03-07. Review status: criteria provided, single submitter. Criteria: Invitae Variant Classification Sherloc (09022015). Collection method: clinical testing. Allele origin: germline.
Comment: This sequence change creates a premature translational stop signal (p.Gln66Serfs*206) in the CDKN1C gene. It is expected to result in an absent or disrupted protein product. Loss-of-function variants in CDKN1C are known to be pathogenic (PMID: 20503313). This variant is not present in population databases (gnomAD no frequency). This variant has not been reported in the literature in individuals affected with CDKN1C-related conditions. ClinVar contains an entry for this variant (Variation ID: 453991). For these reasons, this variant has been classified as Pathogenic.

Literature cited by the submitters: PubMed 20503313.

NM_001122630.2(CDKN1C):c.163del (p.Gln55fs)

Gene: CDKN1C (cyclin dependent kinase inhibitor 1C; minus strand). Cytogenetic location: 11p15.4.
Variant type: Deletion.
Coding change: c.163del on transcript NM_001122630.2 (MANE Select); coding-DNA position 163, one base deleted (C; older notation c.163delC).
Protein change: p.Gln55fs; shifts the reading frame from glutamine 55.
Molecular consequence: frameshift variant.
Genome position (GRCh38, 1-based): chr11:2,885,294, G deleted on the plus strand (C on the coding strand, the reverse complement: CDKN1C is on the minus strand); the first of 2 consecutive G bases (chr11:2,885,294-2,885,295); deleting either gives the same sequence. VCF-style (leftmost placement, unchanged base first): chr11-2885293-TG-T. GRCh37 (hg19) VCF-style: chr11-2906523-TG-T.
Other names: c.196delC (NM_000076.2); c.196del, p.Gln66fs (LRG_533t1, NM_000076.2, NM_001362474.2); c.163del, p.Gln55fs (NM_001122631.2, NM_001362475.2); short protein forms Q55fs, Q66fs.
Identifiers: ClinVar variation 453991 (VCV000453991.8), dbSNP rs1554938194, ClinGen allele CA472833776.